The following is an entry in ClinVar:

ClinVar aggregate classification (germline): Uncertain significance. Review status: criteria provided, multiple submitters, no conflicts (2 of 4 stars). 2 submissions from 2 submitters: Uncertain significance (2). Last evaluated 2026-04-05.

Conditions:
Hereditary cancer-predisposing syndrome. Also called: Neoplastic Syndromes, Hereditary; Tumor predisposition; Hereditary Cancer Syndrome; Hereditary neoplastic syndrome. Identifiers: Orphanet 140162, MedGen C0027672, MeSH D009386, MONDO:0015356.
Familial cancer of breast. Also called: Hereditary breast cancer; hereditary breast carcinoma; BREAST CANCER, FAMILIAL. Identifiers: Orphanet 227535, MedGen C0346153, MONDO:0016419, OMIM 114480. Disease mechanism: loss of function.

Submissions (2):

Ambry Genetics
Classification: Uncertain significance for Hereditary cancer-predisposing syndrome. Last evaluated: 2026-04-05. Review status: criteria provided, single submitter. Criteria: Ambry Variant Classification Scheme 2023. Collection method: clinical testing. Allele origin: germline.
Comment: The p.S174G variant (also known as c.520A>G), located in coding exon 4 of the BARD1 gene, results from an A to G substitution at nucleotide position 520. The serine at codon 174 is replaced by glycine, an amino acid with similar properties. This amino acid position is conserved. In addition, this alteration is predicted to be tolerated by in silico analysis. Based on the available evidence, the clinical significance of this variant remains unclear.

Labcorp Genetics (formerly Invitae), Labcorp
Classification: Uncertain significance for Familial cancer of breast. Last evaluated: 2022-05-26. Review status: criteria provided, single submitter. Criteria: Invitae Variant Classification Sherloc (09022015). Collection method: clinical testing. Allele origin: germline.
Comment: In summary, the available evidence is currently insufficient to determine the role of this variant in disease. Therefore, it has been classified as a Variant of Uncertain Significance. Algorithms developed to predict the effect of missense changes on protein structure and function (SIFT, PolyPhen-2, Align-GVGD) all suggest that this variant is likely to be tolerated. This variant has not been reported in the literature in individuals affected with BARD1-related conditions. This variant is not present in population databases (gnomAD no frequency). This sequence change replaces serine, which is neutral and polar, with glycine, which is neutral and non-polar, at codon 174 of the BARD1 protein (p.Ser174Gly).

NM_000465.4(BARD1):c.520A>G (p.Ser174Gly)

Gene: BARD1 (BRCA1 associated RING domain 1; minus strand). Cytogenetic location: 2q35.
Variant type: single nucleotide variant.
Coding change: c.520A>G on transcript NM_000465.4 (MANE Select); coding-DNA position 520, A replaced by G.
Protein change: p.Ser174Gly; replaces serine 174 with glycine.
Molecular consequence: missense variant. On other transcripts: non-coding transcript variant (2), intron variant (3).
Genome position (GRCh38, 1-based): chr2:214,781,354, T>C on the plus strand (A>G on the coding strand, the complement: BARD1 is on the minus strand). VCF-style: chr2-214781354-T-C. GRCh37 (hg19) VCF-style: chr2-215646078-T-C.
Other names: c.520A>G (NM_000465.2); c.463A>G, p.Ser155Gly (NM_001282543.2); c.158+28058A>G (NM_001282548.2); c.215+15707A>G (NM_001282545.2); c.364+10943A>G (NM_001282549.2); short protein forms S155G, S174G.
Identifiers: ClinVar variation 1999181 (VCV001999181.5), dbSNP rs1060501295, ClinGen allele CA350457476.